The following is an entry in ClinVar:

NM_016148.5(SHANK1):c.4308C>G (p.Ser1436Arg)

Gene: SHANK1 (SH3 and multiple ankyrin repeat domains 1; minus strand). Cytogenetic location: 19q13.33.
Variant type: single nucleotide variant.
Coding change: c.4308C>G on transcript NM_016148.5 (MANE Select); coding-DNA position 4308, C replaced by G.
Protein change: p.Ser1436Arg; replaces serine 1436 with arginine.
Molecular consequence: missense variant.
Genome position (GRCh38, 1-based): chr19:50,667,652, G>C on the plus strand (C>G on the coding strand, the complement: SHANK1 is on the minus strand). VCF-style: chr19-50667652-G-C. GRCh37 (hg19) VCF-style: chr19-51170909-G-C.
Other names: short protein forms S1436R.
Identifiers: ClinVar variation 5008789 (VCV005008789.1).

ClinVar aggregate classification (germline): Uncertain significance (1 of 4 stars; one submission).

Submission:

GeneDx
Classification: Uncertain significance. Last evaluated: 2026-03-07. Review status: criteria provided, single submitter. Criteria: GeneDx Variant Classification Process June 2021. Collection method: clinical testing. Allele origin: germline.
Comment: Not observed at significant frequency in large population cohorts (gnomAD); In silico analysis suggests that this missense variant does not alter protein structure/function; Has not been previously published as pathogenic or benign to our knowledge